The following is an entry in ClinVar:

NM_002103.5(GYS1):c.945T>A (p.His315Gln)

Gene: GYS1 (glycogen synthase 1; minus strand). Cytogenetic location: 19q13.33.
Variant type: single nucleotide variant.
Coding change: c.945T>A on transcript NM_002103.5 (MANE Select); coding-DNA position 945, T replaced by A.
Protein change: p.His315Gln; replaces histidine 315 with glutamine.
Molecular consequence: missense variant. On other transcripts: non-coding transcript variant (1).
Genome position (GRCh38, 1-based): chr19:48,982,372, A>T on the plus strand (T>A on the coding strand, the complement: GYS1 is on the minus strand). VCF-style: chr19-48982372-A-T. GRCh37 (hg19) VCF-style: chr19-49485629-A-T.
Other names: c.945T>A (NM_002103.4); c.753T>A, p.His251Gln (NM_001161587.2); short protein forms H251Q, H315Q.
Identifiers: ClinVar variation 1450664 (VCV001450664.7), dbSNP rs2038779389, ClinGen allele CA406763508.

ClinVar aggregate classification (germline): Uncertain significance. Review status: criteria provided, single submitter (1 of 4 stars). 2 submissions from 2 submitters: Uncertain significance (1). 1 of the submissions does not count toward it. Last evaluated 2022-07-05.

Conditions:
Glycogen storage disease due to muscle and heart glycogen synthase deficiency. Also called: MUSCLE GLYCOGEN SYNTHASE DEFICIENCY; GSD 0b. Identifiers: Orphanet 137625, MedGen C1969054, MONDO:0012693, OMIM 611556.
GYS1-related disorder. Also called: GYS1-related condition.

Allele frequency attached by ClinVar (database versions not stated): gnomAD exomes below 0.00001; gnomAD 0.00002.
gnomAD v4.1: 4 of 1,613,734 alleles (0.00025%); highest among the groups gnomAD compares: African/African-American, 0.004%; no homozygotes.

Submissions (2):

Labcorp Genetics (formerly Invitae), Labcorp
Classification: Uncertain significance for Glycogen storage disease due to muscle and heart glycogen synthase deficiency. Last evaluated: 2022-07-05. Review status: criteria provided, single submitter. Criteria: Invitae Variant Classification Sherloc (09022015). Collection method: clinical testing. Allele origin: germline.
Comment: This sequence change replaces histidine, which is basic and polar, with glutamine, which is neutral and polar, at codon 315 of the GYS1 protein (p.His315Gln). In summary, the available evidence is currently insufficient to determine the role of this variant in disease. Therefore, it has been classified as a Variant of Uncertain Significance. Algorithms developed to predict the effect of missense changes on protein structure and function (SIFT, PolyPhen-2, Align-GVGD) all suggest that this variant is likely to be tolerated. ClinVar contains an entry for this variant (Variation ID: 1450664). This variant has not been reported in the literature in individuals affected with GYS1-related conditions. This variant is not present in population databases (gnomAD no frequency).

PreventionGenetics, part of Exact Sciences
Classification: Uncertain significance for GYS1-related condition. Last evaluated: 2024-03-22. Review status: no assertion criteria provided. Collection method: clinical testing. Allele origin: germline. Not counted in ClinVar's aggregate classification.
Comment: The GYS1 c.945T>A variant is predicted to result in the amino acid substitution p.His315Gln. To our knowledge, this variant has not been reported in the literature or in a large population database, indicating this variant is rare. At this time, the clinical significance of this variant is uncertain due to the absence of conclusive functional and genetic evidence.